The following is an entry in ClinVar:

NM_016599.5(MYOZ2):c.272A>G (p.Lys91Arg)

Gene: MYOZ2 (myozenin 2; plus strand). Cytogenetic location: 4q26.
Variant type: single nucleotide variant.
Coding change: c.272A>G on transcript NM_016599.5 (MANE Select); coding-DNA position 272, A replaced by G.
Protein change: p.Lys91Arg; replaces lysine 91 with arginine.
Molecular consequence: missense variant.
Genome position (GRCh38, 1-based): chr4:119,158,047, A>G. VCF-style: chr4-119158047-A-G. GRCh37 (hg19) VCF-style: chr4-120079202-A-G.
Other names: short protein forms K91R.
Identifiers: ClinVar variation 1795267 (VCV001795267.2), dbSNP rs2529770563, ClinGen allele CA358203838.

ClinVar aggregate classification (germline): Uncertain significance (1 of 4 stars; one submission).

Conditions:
Cardiovascular phenotype. Identifiers: MedGen CN230736.

Allele frequency attached by ClinVar (database versions not stated): gnomAD exomes below 0.00001.
gnomAD v4.1: 3 of 1,614,056 alleles (0.00019%); highest among the groups gnomAD compares: Non-Finnish European, 0.00025%; no homozygotes.

Submission:

Ambry Genetics
Classification: Uncertain significance for Cardiovascular phenotype. Last evaluated: 2022-01-07. Review status: criteria provided, single submitter. Criteria: Ambry Variant Classification Scheme 2023. Collection method: clinical testing. Allele origin: germline.
Comment: The p.K91R variant (also known as c.272A>G), located in coding exon 3 of the MYOZ2 gene, results from an A to G substitution at nucleotide position 272. The lysine at codon 91 is replaced by arginine, an amino acid with highly similar properties. This amino acid position is conserved. In addition, this alteration is predicted to be tolerated by in silico analysis. Since supporting evidence is limited at this time, the clinical significance of this alteration remains unclear.